The following is an entry in ClinVar:

NM_000246.4(CIITA):c.2099G>A (p.Arg700Gln)

Gene: CIITA (class II major histocompatibility complex transactivator; plus strand). Cytogenetic location: 16p13.13.
Variant type: single nucleotide variant.
Coding change: c.2099G>A on transcript NM_000246.4 (MANE Select); coding-DNA position 2099, G replaced by A.
Protein change: p.Arg700Gln; replaces arginine 700 with glutamine.
Molecular consequence: missense variant. On other transcripts: intron variant (1).
Genome position (GRCh38, 1-based): chr16:10,907,591, G>A. VCF-style: chr16-10907591-G-A. GRCh37 (hg19) VCF-style: chr16-11001448-G-A.
Other names: c.2102G>A, p.Arg701Gln (NM_001286402.1, NM_001379332.1); c.1955G>A, p.Arg652Gln (NM_001379330.1); c.1952G>A, p.Arg651Gln (NM_001379331.1); c.2099G>A, p.Arg700Gln (NM_001379333.1); c.2030G>A, p.Arg677Gln (NM_001379334.1); c.860-1392G>A (NM_001286403.2); short protein forms R700Q, R701Q, R651Q, R652Q, R677Q.
Identifiers: ClinVar variation 528784 (VCV000528784.9), dbSNP rs749350138, ClinGen allele CA7900296.

ClinVar aggregate classification (germline): Uncertain significance. Review status: criteria provided, multiple submitters, no conflicts (2 of 4 stars). 3 submissions from 3 submitters: Uncertain significance (2). 1 of the submissions does not count toward it. Last evaluated 2024-02-27.

Conditions:
MHC class II deficiency. Also called: BLS, TYPE II; Bare lymphocyte syndrome 2. Identifiers: Orphanet 572, MedGen C5447452, MONDO:0008855.
Inborn genetic diseases. Identifiers: MedGen C0950123, MeSH D030342.

Allele frequency attached by ClinVar (database versions not stated): TOPMed 0.00001; ExAC 0.00002; gnomAD 0.00003 and 0.00004.
gnomAD v4.1: 87 of 1,614,096 alleles (0.0054%); highest among the groups gnomAD compares: Admixed American, 0.013%; no homozygotes.

Submissions (3):

Ambry Genetics
Classification: Uncertain significance for Inborn genetic diseases. Last evaluated: 2024-02-27. Review status: criteria provided, single submitter. Criteria: Ambry Variant Classification Scheme 2023. Collection method: clinical testing. Allele origin: germline.

Labcorp Genetics (formerly Invitae), Labcorp
Classification: Uncertain significance for MHC class II deficiency. Last evaluated: 2022-07-06. Review status: criteria provided, single submitter. Criteria: Invitae Variant Classification Sherloc (09022015). Collection method: clinical testing. Allele origin: germline.
Comment: This sequence change replaces arginine, which is basic and polar, with glutamine, which is neutral and polar, at codon 700 of the CIITA protein (p.Arg700Gln). This variant is present in population databases (rs749350138, gnomAD 0.003%). This variant has not been reported in the literature in individuals affected with CIITA-related conditions. ClinVar contains an entry for this variant (Variation ID: 528784). Algorithms developed to predict the effect of missense changes on protein structure and function (SIFT, PolyPhen-2, Align-GVGD) all suggest that this variant is likely to be tolerated. Algorithms developed to predict the effect of sequence changes on RNA splicing suggest that this variant may create or strengthen a splice site. In summary, the available evidence is currently insufficient to determine the role of this variant in disease. Therefore, it has been classified as a Variant of Uncertain Significance.

Natera, Inc.
Classification: Uncertain significance for Bare lymphocyte syndrome type II. Last evaluated: 2019-10-28. Review status: no assertion criteria provided. Collection method: clinical testing. Allele origin: germline. Not counted in ClinVar's aggregate classification.